The following is an entry in ClinVar:

NM_000812.4(GABRB1):c.382A>C (p.Lys128Gln)

Gene: GABRB1 (gamma-aminobutyric acid type A receptor subunit beta1; plus strand). Cytogenetic location: 4p12.
Variant type: single nucleotide variant.
Coding change: c.382A>C on transcript NM_000812.4 (MANE Select); coding-DNA position 382, A replaced by C.
Protein change: p.Lys128Gln; replaces lysine 128 with glutamine.
Molecular consequence: missense variant.
Genome position (GRCh38, 1-based): chr4:47,161,390, A>C. VCF-style: chr4-47161390-A-C. GRCh37 (hg19) VCF-style: chr4-47163407-A-C.
Other names: short protein forms K128Q.
Identifiers: ClinVar variation 1512724 (VCV001512724.8), dbSNP rs1451927402, ClinGen allele CA356806015.

ClinVar aggregate classification (germline): Uncertain significance (1 of 4 stars; one submission).

Allele frequency attached by ClinVar (database versions not stated): gnomAD exomes below 0.00001 and 0.00001.
gnomAD v4.1: 18 of 1,612,890 alleles (0.0011%); highest among the groups gnomAD compares: Non-Finnish European, 0.0014%; no homozygotes.

Submission:

Labcorp Genetics (formerly Invitae), Labcorp
Classification: Uncertain significance. Last evaluated: 2021-06-13. Review status: criteria provided, single submitter. Criteria: Invitae Variant Classification Sherloc (09022015). Collection method: clinical testing. Allele origin: germline.
Comment: Advanced modeling of protein sequence and biophysical properties (such as structural, functional, and spatial information, amino acid conservation, physicochemical variation, residue mobility, and thermodynamic stability) performed at Invitae indicates that this missense variant is not expected to disrupt GABRB1 protein function. This variant has not been reported in the literature in individuals with GABRB1-related conditions. This variant is not present in population databases (ExAC no frequency). This sequence change replaces lysine with glutamine at codon 128 of the GABRB1 protein (p.Lys128Gln). The lysine residue is moderately conserved and there is a small physicochemical difference between lysine and glutamine. In summary, the available evidence is currently insufficient to determine the role of this variant in disease. Therefore, it has been classified as a Variant of Uncertain Significance.